The following is an entry in ClinVar:

NM_000426.4(LAMA2):c.2207A>G (p.Glu736Gly)

Gene: LAMA2 (laminin subunit alpha 2; plus strand). Cytogenetic location: 6q22.33.
Variant type: single nucleotide variant.
Coding change: c.2207A>G on transcript NM_000426.4 (MANE Select); coding-DNA position 2207, A replaced by G.
Protein change: p.Glu736Gly; replaces glutamic acid 736 with glycine.
Molecular consequence: missense variant.
Genome position (GRCh38, 1-based): chr6:129,260,821, A>G. VCF-style: chr6-129260821-A-G. GRCh37 (hg19) VCF-style: chr6-129581966-A-G.
Other names: c.2207A>G, p.Glu736Gly (NM_001079823.2); short protein forms E736G.
Identifiers: ClinVar variation 2063406 (VCV002063406.2), dbSNP rs2482165684, ClinGen allele CA365608704.
Genomic context (GRCh38, chr6:129,260,821, plus strand): 5'-GCATTGCAGCAGCTGTAGAAGTGTGTCAGTGCCCACCAGGGTATACTGGCTCCTCTTGTG[A>G]AGTAAGCTTGCAAGAATGTATCCTTAGTGCTTTCAAAGTTCCCTCAACATTGCTTTCAAT-3'
Protein context (NP_000417.3, residues 726-746): CPPGYTGSSC[Glu736Gly]SCWPRHRRVN

ClinVar aggregate classification (germline): Uncertain significance. Review status: criteria provided, multiple submitters, no conflicts (2 of 4 stars). 2 submissions from 2 submitters: Uncertain significance (2). Last evaluated 2023-12-20.

Conditions:
LAMA2-related muscular dystrophy (LAMA2-RD). Also called: Laminin alpha 2-related dystrophy. Identifiers: MedGen C5679788, MONDO:0100228.
Inborn genetic diseases. Identifiers: MedGen C0950123, MeSH D030342.

Submissions (2):

Ambry Genetics
Classification: Uncertain significance for Inborn genetic diseases. Last evaluated: 2023-12-20. Review status: criteria provided, single submitter. Criteria: Ambry Variant Classification Scheme 2023. Collection method: clinical testing. Allele origin: germline.

Labcorp Genetics (formerly Invitae), Labcorp
Classification: Uncertain significance for LAMA2-related muscular dystrophy. Last evaluated: 2021-12-27. Review status: criteria provided, single submitter. Criteria: Invitae Variant Classification Sherloc (09022015). Collection method: clinical testing. Allele origin: germline.
Comment: This sequence change replaces glutamic acid, which is acidic and polar, with glycine, which is neutral and non-polar, at codon 736 of the LAMA2 protein (p.Glu736Gly). This variant is not present in population databases (gnomAD no frequency). This variant has not been reported in the literature in individuals affected with LAMA2-related conditions. Algorithms developed to predict the effect of missense changes on protein structure and function are either unavailable or do not agree on the potential impact of this missense change (SIFT: "Deleterious"; PolyPhen-2: "Probably Damaging"; Align-GVGD: "Class C0"). Algorithms developed to predict the effect of sequence changes on RNA splicing suggest that this variant may disrupt the consensus splice site. In summary, the available evidence is currently insufficient to determine the role of this variant in disease. Therefore, it has been classified as a Variant of Uncertain Significance.